The following is an entry in ClinVar:

ClinVar aggregate classification (germline): Benign (1 of 4 stars; one submission).

Submission:

GeneDx
Classification: Benign. Last evaluated: 2018-06-14. Review status: criteria provided, single submitter. Criteria: GeneDx Variant Classification (06012015). Collection method: clinical testing. Allele origin: germline. Affected: yes.
Comment: This variant is considered likely benign or benign based on one or more of the following criteria: it is a conservative change, it occurs at a poorly conserved position in the protein, it is predicted to be benign by multiple in silico algorithms, and/or has population frequency not consistent with disease.

NM_006073.4(TRDN):c.484+153_484+179del

Gene: TRDN (triadin; minus strand). Cytogenetic location: 6q22.31.
Variant type: Microsatellite.
Coding change: c.484+153_484+179del on transcript NM_006073.4 (MANE Select); bases 153 to 179 of the intron after coding-DNA position 484, 27 bases deleted (TCAGTTAATTTCAGTTATAAATGTATA).
Molecular consequence: intron variant.
Genome position (GRCh38, 1-based): chr6:123,530,327-123,530,353, TATACATTTATAACTGAAATTAACTGA deleted on the plus strand (TCAGTTAATTTCAGTTATAAATGTATA on the coding strand, the reverse complement: TRDN is on the minus strand); deleting any 27 consecutive bases within chr6:123,530,327-123,530,380 gives the same sequence; the c. name uses the placement nearest the transcript's 3' end. VCF-style (leftmost placement, unchanged base first): chr6-123530326-TTATACATTTATAACTGAAATTAACTGA-T. GRCh37 (hg19) VCF-style: chr6-123851471-TTATACATTTATAACTGAAATTAACTGA-T.
Other names: c.484+153_484+179del (NM_001251987.2, NM_001256020.2, NM_001256021.2 and 1 more transcripts).
Identifiers: ClinVar variation 674820 (VCV000674820.1), dbSNP rs6149788, ClinGen allele CA147293424.
Genomic context (GRCh38, chr6:123,530,326, plus strand): 5'-AAAATTATTACACATTTTGAAGTTACTTTGATTCCATCTATTAAATATTATTTATGTTAT[TTATACATTTATAACTGAAATTAACTGA>T]TATACATTTATAACTGAAATTAACTGAGGAGTAAATTTAGTTATTTAATATCAAAAATGT-3'